The following is an entry in ClinVar:

ClinVar aggregate classification (germline): Likely pathogenic (1 of 4 stars; one submission).

Submission:

Dasa
Classification: Likely pathogenic. Last evaluated: 2025-12-03. Review status: criteria provided, single submitter. Criteria: DASA Assertion Criteria. Collection method: clinical testing. Allele origin: germline.
Comment: NM_001203.3(BMPR1B):c.586-1_590del is a splice-region variant predicted to affect normal RNA splicing. This variant is absent from population databases. Based on the currently available evidence, this variant is classified as likely pathogenic.

NM_001203.3(BMPR1B):c.586-1_590del

Gene: BMPR1B (bone morphogenetic protein receptor type 1B; plus strand). Cytogenetic location: 4q22.3.
Variant type: Deletion.
Coding change: c.586-1_590del on transcript NM_001203.3 (MANE Select); the canonical splice acceptor site of the intron before coding-DNA position 586 through coding-DNA position 590, 6 bases deleted (GGTCCA; older notation c.586-1_590delGGTCCA).
Molecular consequence: splice acceptor variant.
Genome position (GRCh38, 1-based): chr4:95,129,861-95,129,866, GGTCCA deleted; deleting any 6 consecutive bases within chr4:95,129,859-95,129,866 gives the same sequence; the c. name uses the placement nearest the transcript's 3' end. VCF-style (leftmost placement, unchanged base first): chr4-95129858-ACAGGTC-A. GRCh37 (hg19) VCF-style: chr4-96051009-ACAGGTC-A.
Other names: c.586-1_590del (NM_001256792.2, NM_001256794.1); c.676-1_680del (NM_001256793.2).
Identifiers: ClinVar variation 4856850 (VCV004856850.2).